The following is an entry in ClinVar:

ClinVar aggregate classification (germline): Pathogenic/Likely pathogenic. Review status: criteria provided, multiple submitters, no conflicts (2 of 4 stars). 30 submissions from 30 submitters: Pathogenic (20); Likely pathogenic (3). 7 of the submissions do not count toward it. Last evaluated 2026-05-27.

Conditions:
Familial cancer of breast. Also called: Hereditary breast cancer; hereditary breast carcinoma; BREAST CANCER, FAMILIAL. Identifiers: Orphanet 227535, MedGen C0346153, MONDO:0016419, OMIM 114480. Disease mechanism: loss of function.
Breast-ovarian cancer, familial, susceptibility to, 1 (BROVCA1). Also called: OVARIAN CANCER, SUSCEPTIBILITY TO; BRCA1 Hereditary Breast and Ovarian Cancer. Identifiers: Orphanet 145, MedGen C2676676, MONDO:0011450, OMIM 604370. Disease mechanism: loss of function.
Fanconi anemia, complementation group S (FANCS). Identifiers: MedGen C4554406, MONDO:0054748, OMIM 617883.
BRCA1-related disorder. Also called: BRCA1-related condition.
Pancreatic cancer, susceptibility to, 4. Identifiers: Orphanet 1333, MedGen C3280442, MONDO:0013685, OMIM 614320.
Inherited breast cancer and ovarian cancer.
Breast and/or ovarian cancer. Identifiers: MedGen CN221562.
Hereditary cancer-predisposing syndrome. Also called: Tumor predisposition; Neoplastic Syndromes, Hereditary; Hereditary Cancer Syndrome; Hereditary neoplastic syndrome. Identifiers: Orphanet 140162, MedGen C0027672, MeSH D009386, MONDO:0015356.
Hereditary breast ovarian cancer syndrome. Also called: Hereditary breast and ovarian cancer syndrome (HBOC); Hereditary breast and ovarian cancer syndrome; Hereditary breast and ovarian cancer; Hereditary breast and/or ovarian cancer syndrome; Breast and ovarian cancer; BRCA1- and BRCA2-Associated Hereditary Breast and Ovarian Cancer. Identifiers: Orphanet 145, MedGen C0677776, MeSH D061325, MONDO:0003582. Disease mechanism: loss of function.

Allele frequency attached by ClinVar (database versions not stated): gnomAD exomes below 0.00001; gnomAD 0.00001; TOPMed 0.00002.
gnomAD v4.1: 3 of 1,613,934 alleles (0.00019%); highest among the groups gnomAD compares: African/African-American, 0.0027%; no homozygotes.

Submissions 1 to 10 of 31:

Genomics and Molecular Medicine Service, East Genomic Laboratory Hub, NHS Genomic Medicine Service
Classification: Pathogenic for Inherited breast cancer and ovarian cancer. Last evaluated: 2026-05-27. Review status: criteria provided, single submitter. Criteria: ACGS Best Practice Guidelines for Variant Classification in Rare Disease 2020. Collection method: clinical testing. Allele origin: germline. Affected: yes.
Comment: PS3,PP4_Very Strong

Genetics Laboratory, Great Ormond Street Hospital NHS Foundation Trust, North Thames Genomic Laboratory Hub
Classification: Pathogenic for Inherited breast cancer and ovarian cancer. Last evaluated: 2026-01-13. Review status: criteria provided, single submitter. Criteria: CanVIG BRCA Gene Specific V1.22. Collection method: clinical testing. Allele origin: germline. Affected: yes.
Comment: PS4_supporting, PM2_supporting, PS3_strong, PP4_very-strong

Labcorp Genetics (formerly Invitae), Labcorp
Classification: Pathogenic for Hereditary breast ovarian cancer syndrome. Last evaluated: 2025-12-20. Review status: criteria provided, single submitter. Criteria: Invitae Variant Classification Sherloc (09022015). Collection method: clinical testing. Allele origin: germline.
Comment: This sequence change falls in intron 15 of the BRCA1 gene. It does not directly change the encoded amino acid sequence of the BRCA1 protein. RNA analysis indicates that this variant induces altered splicing and may result in an absent or altered protein product. This variant is not present in population databases (gnomAD no frequency). This variant has been observed in individual(s) with breast and ovarian cancer (PMID: 10406662, 21120943, 21324516, 21965345, 24729269). This variant is also known as IVS16+6T>C. ClinVar contains an entry for this variant (Variation ID: 37620). Variants that disrupt the consensus splice site are a relatively common cause of aberrant splicing (PMID: 17576681, 9536098). Studies have shown that this variant results in activation of a cryptic splice donor site, and produces a non-functional protein and/or introduces a premature termination codon (PMID: 10406662, 22505045; internal data). This variant disrupts the c.4986+6T nucleotide in the BRCA1 gene. Other variant(s) that disrupt this nucleotide have been determined to be pathogenic (PMID: 11179017, 16619214, 22160602). This suggests that this nucleotide is clinically significant, and that variants that disrupt this position are likely to be disease-causing. For these reasons, this variant has been classified as Pathogenic.

Ambry Genetics
Classification: Pathogenic for Hereditary cancer-predisposing syndrome. Last evaluated: 2025-07-05. Review status: criteria provided, single submitter. Criteria: Ambry Variant Classification Scheme 2023. Collection method: clinical testing. Allele origin: germline.
Comment: The c.4986+6T>C pathogenic mutation results from a T to C substitution 6 nucleotides after coding exon 14 in the BRCA1 gene. This alteration has been identified in multiple patients with early-onset breast cancer (Pal T et al. Cancer. 2015 Dec;121(23):4173-80; Biunno I et al. Fam. Cancer 2014 Sep;13(3):437-44; Rummel SK et al. Breast Cancer Res. Treat. 2017 Aug;164(3):593-601), as well as in ovarian cancer cohorts (Akbari MR et al. J. Med. Genet. 2011 Nov;48(11):783-6; Zhang S et al. Gynecol. Oncol. 2011 May;121(2):353-7). In silico splice site analysis predicts that this alteration will weaken the native splice donor site. RNA splicing assays have shown that this mutation activates a cryptic splice donor site, resulting in an insertion, frameshift, and premature truncation (Scholl T et al. Am. J. Med. Genet. 1999; 85:113-6; Houdayer C. Hum. Mutat.. 2012 Aug; 33(8):1228-38; Ambry internal data). In addition, one study found that this nucleotide substitution is non-functional in a high throughput, genome editing, haploid cell survival assay (Findlay GM et al. Nature, 2018 10;562:217-222). Of note, this alteration is also designated as IVS16+6T>C in published literature. Based on the available evidence, this alteration is classified as a pathogenic mutation.

Dasa
Classification: Pathogenic for Breast-ovarian cancer, familial, susceptibility to, 1. Last evaluated: 2025-06-25. Review status: criteria provided, single submitter. Criteria: DASA Assertion Criteria. Collection method: clinical testing. Allele origin: germline.
Comment: NM_007294.4(BRCA1):c.4986+6T>C is a splice-region variant predicted to affect normal RNA splicing. This variant results in the same amino acid change as a previously established pathogenic variant. Functional evidence supports a deleterious effect on the gene or gene product (PMID: 30209399; PMID: 10406662; PMID: 29446198; PMID: 35950060; PMID: 26287763). This variant has been recurrently observed in individuals with Breast-ovarian cancer, familial, susceptibility to, 1 (PMID: 30209399; PMID: 10406662; PMID: 29446198; PMID: 35950060; PMID: 26287763). The variant is present at low frequency in population datasets. Based on the available data, this variant is classified as pathogenic.

Quest Diagnostics Nichols Institute San Juan Capistrano
Classification: Pathogenic. Last evaluated: 2024-06-21. Review status: criteria provided, single submitter. Criteria: Quest Diagnostics criteria. Collection method: clinical testing. Allele origin: unknown.
Comment: The BRCA1 c.4986+6T>C variant has been reported in the published literature in individuals and families with breast/ovarian cancer (PMIDs: 21120943 (2011), 21324516 (2011), 21965345 (2011), 24729269 (2014), 28503720 (2017), and 33646313 (2021)). In addition, RNA studies indicated that this variant activates a cryptic splice site and causes an inclusion of extra intronic sequences which encoded a truncated BRCA1 protein (PMIDs: 10406662 (1999), 22505045 (2012), and 23239986 (2012)). This variant has not been reported in large, multi-ethnic general populations (Genome Aggregation Database). Analysis of this variant using software algorithms for the prediction of the effect of nucleotide changes on splicing yielded predictions that this variant may affect proper BRCA1 mRNA splicing. Based on the available information, this variant is classified as pathogenic.

Fulgent Genetics
Classification: Pathogenic for Breast-ovarian cancer, familial, susceptibility to, 1; Pancreatic cancer, susceptibility to, 4; Fanconi anemia, complementation group S. Last evaluated: 2024-04-21. Review status: criteria provided, single submitter. Criteria: ACMG Guidelines, 2015. Collection method: clinical testing. Allele origin: germline.

Baylor Genetics
Classification: Pathogenic for Breast-ovarian cancer, familial, susceptibility to, 1. Last evaluated: 2024-03-29. Review status: criteria provided, single submitter. Criteria: ACMG Guidelines, 2015. Collection method: clinical testing. Allele origin: unknown.

Blueprint Genetics
Classification: Pathogenic for BRCA1-related disorders. Last evaluated: 2024-01-22. Review status: criteria provided, single submitter. Criteria: ACMG Guidelines, 2015. Collection method: clinical testing. Allele origin: germline. Affected: yes. Observed: 3 variant alleles.

Color Diagnostics, LLC DBA Color Health
Classification: Pathogenic for Hereditary cancer-predisposing syndrome. Last evaluated: 2023-10-01. Review status: criteria provided, single submitter. Criteria: ACMG Guidelines, 2015. Collection method: clinical testing. Allele origin: germline.
Comment: This variant causes a T>C nucleotide substitution at the +6 position of intron 15 of the BRCA1 gene. This variant is also known as IVS16+6T>C in the literature. RNA studies on carrier-derived RNA have found this variant to disrupt splicing in a manner that is expected to result in an absent or non-functional protein product (PMID: 10406662, 22505045). This variant has been reported to be loss-of-function in a haploid cell proliferation assay (PMID: 30209399). This variant has been reported in multiple individuals with personal and/or family history of breast and ovarian cancer (PMID: 10406662, 18703817, 21120943, 21324516, 24729269, 28503720). This variant has not been identified in the general population by the Genome Aggregation Database (gnomAD). Loss of BRCA1 function is a known mechanism of disease. Based on the available evidence, this variant is classified as Pathogenic.

NM_007294.4(BRCA1):c.4986+6T>C

Gene: BRCA1 (BRCA1 DNA repair associated; minus strand). Cytogenetic location: 17q21.31.
Variant type: single nucleotide variant.
Coding change: c.4986+6T>C on transcript NM_007294.4 (MANE Select); 6 bases into the intron after coding-DNA position 4986, T replaced by C.
Molecular consequence: intron variant.
Genome position (GRCh38, 1-based): chr17:43,070,922, A>G on the plus strand (T>C on the coding strand, the complement: BRCA1 is on the minus strand). VCF-style: chr17-43070922-A-G. GRCh37 (hg19) VCF-style: chr17-41222939-A-G.
Other names: IVS16+6T>C; c.4983+6T>C (NM_001407611.1, NM_001407624.1, NM_001407858.1 and 17 more transcripts); c.5046+6T>C (NM_001407590.1, NM_001407591.1); c.1551+6T>C (NM_001408443.1, NM_001408439.1, NM_001408434.1 and 10 more transcripts); c.1554+6T>C (NM_001408425.1, NM_001408428.1, NM_001408429.1 and 4 more transcripts); c.4857+6T>C (NM_001407681.1, NM_001407687.1, NM_001407941.1 and 6 more transcripts); c.4860+6T>C (NM_001407675.1, NM_001407680.1, NM_001407672.1 and 11 more transcripts); c.4863+6T>C (NM_001407664.1, NM_001407666.1, NM_001407919.1 and 6 more transcripts); and 72 more.
Identifiers: ClinVar variation 37620 (VCV000037620.53), dbSNP rs80358086, ClinGen allele CA003127.